The following is an entry in ClinVar:

NM_014159.7(SETD2):c.7096C>T (p.Pro2366Ser)

Gene: SETD2 (SET domain containing 2, histone lysine methyltransferase; minus strand). Cytogenetic location: 3p21.31.
Variant type: single nucleotide variant.
Coding change: c.7096C>T on transcript NM_014159.7 (MANE Select); coding-DNA position 7096, C replaced by T.
Protein change: p.Pro2366Ser; replaces proline 2366 with serine.
Molecular consequence: missense variant. On other transcripts: non-coding transcript variant (1).
Genome position (GRCh38, 1-based): chr3:47,046,489, G>A on the plus strand (C>T on the coding strand, the complement: SETD2 is on the minus strand). VCF-style: chr3-47046489-G-A. GRCh37 (hg19) VCF-style: chr3-47087979-G-A.
Other names: c.6964C>T, p.Pro2322Ser (NM_001349370.3); short protein forms P2322S, P2366S.
Identifiers: ClinVar variation 2500492 (VCV002500492.1), dbSNP rs2107548940, ClinGen allele CA352515469.

ClinVar aggregate classification (germline): Uncertain significance (1 of 4 stars; one submission).

Submission:

GeneDx
Classification: Uncertain significance. Last evaluated: 2022-10-31. Review status: criteria provided, single submitter. Criteria: GeneDx Variant Classification Process June 2021. Collection method: clinical testing. Allele origin: germline. Affected: yes.
Comment: Not observed at significant frequency in large population cohorts (gnomAD); In silico analysis supports a deleterious effect on splicing; In silico analysis supports that this missense variant does not alter protein structure/function; Has not been previously published as pathogenic or benign to our knowledge